The following is an entry in ClinVar:

ClinVar aggregate classification (germline): Conflicting classifications of pathogenicity. Review status: criteria provided, conflicting classifications (1 of 4 stars). 2 submissions from 2 submitters: Uncertain significance (1); Likely benign (1). Last evaluated 2023-03-23.

Conditions:
Hereditary breast ovarian cancer syndrome. Also called: Hereditary breast and ovarian cancer syndrome (HBOC); Hereditary breast and ovarian cancer; Hereditary breast and/or ovarian cancer syndrome; Hereditary breast and ovarian cancer syndrome; Breast and ovarian cancer; BRCA1- and BRCA2-Associated Hereditary Breast and Ovarian Cancer. Identifiers: Orphanet 145, MedGen C0677776, MeSH D061325, MONDO:0003582. Disease mechanism: loss of function.
Hereditary cancer-predisposing syndrome. Also called: Neoplastic Syndromes, Hereditary; Tumor predisposition; Hereditary neoplastic syndrome; Hereditary Cancer Syndrome. Identifiers: Orphanet 140162, MedGen C0027672, MeSH D009386, MONDO:0015356.

Submissions (2):

University of Washington Department of Laboratory Medicine, University of Washington
Classification: Likely benign for Hereditary cancer-predisposing syndrome. Last evaluated: 2023-03-23. Review status: criteria provided, single submitter. Criteria: Dines et al. (Genet Med. 2020). Collection method: curation. Allele origin: germline.
Comment: Missense variant in a coldspot region where missense variants are very unlikely to be pathogenic (PMID:31911673).

BRCA2 exon 11 coldspot. Reclassification based on statistical prior probability.

Labcorp Genetics (formerly Invitae), Labcorp
Classification: Uncertain significance for Hereditary breast ovarian cancer syndrome. Last evaluated: 2019-05-30. Review status: criteria provided, single submitter. Criteria: Invitae Variant Classification Sherloc (09022015). Collection method: clinical testing. Allele origin: germline.
Comment: Algorithms developed to predict the effect of missense changes on protein structure and function (SIFT, PolyPhen-2, Align-GVGD) all suggest that this variant is likely to be tolerated, but these predictions have not been confirmed by published functional studies and their clinical significance is uncertain. In summary, the available evidence is currently insufficient to determine the role of this variant in disease. Therefore, it has been classified as a Variant of Uncertain Significance. This variant has not been reported in the literature in individuals with BRCA2-related conditions. This sequence change replaces valine with leucine at codon 1873 of the BRCA2 protein (p.Val1873Leu). The valine residue is weakly conserved and there is a small physicochemical difference between valine and leucine. This variant is not present in population databases (ExAC no frequency).

NM_000059.4(BRCA2):c.5617G>T (p.Val1873Leu)

Gene: BRCA2 (BRCA2 DNA repair associated; plus strand). Cytogenetic location: 13q13.1.
Variant type: single nucleotide variant.
Coding change: c.5617G>T on transcript NM_000059.4 (MANE Select); coding-DNA position 5617, G replaced by T.
Protein change: p.Val1873Leu; replaces valine 1873 with leucine.
Molecular consequence: missense variant.
Genome position (GRCh38, 1-based): chr13:32,339,972, G>T. VCF-style: chr13-32339972-G-T. GRCh37 (hg19) VCF-style: chr13-32914109-G-T.
Other names: short protein forms V1873L.
Identifiers: ClinVar variation 839457 (VCV000839457.11), dbSNP rs2072533593, ClinGen allele CA387786100.